The following is an entry in ClinVar:

NM_000173.7(GP1BA):c.243C>A (p.Cys81Ter)

Gene: GP1BA (glycoprotein Ib platelet subunit alpha; plus strand). Cytogenetic location: 17p13.2.
Variant type: single nucleotide variant.
Coding change: c.243C>A on transcript NM_000173.7 (MANE Select); coding-DNA position 243, C replaced by A.
Protein change: p.Cys81Ter; replaces cysteine 81 with a stop codon.
Molecular consequence: nonsense.
Genome position (GRCh38, 1-based): chr17:4,932,847, C>A. VCF-style: chr17-4932847-C-A. GRCh37 (hg19) VCF-style: chr17-4836142-C-A.
Other names: NM_000173.7:c.243C>A; short protein forms C81*.
Identifiers: ClinVar variation 4538998 (VCV004538998.1).

ClinVar aggregate classification (germline): Uncertain significance (3 of 4 stars; one submission).

Conditions:
Bernard Soulier syndrome (BSS). Also called: GLYCOPROTEIN Ib, PLATELET, DEFICIENCY OF; PLATELET GLYCOPROTEIN Ib DEFICIENCY; VON WILLEBRAND FACTOR RECEPTOR DEFICIENCY; Giant platelet syndrome; Hemorrhagiparous thrombocytic dystrophy; Giant platelet disease. Identifiers: Orphanet 274, MedGen C0005129, MeSH D001606, MONDO:0009276, OMIM 231200.

Submission:

ClinGen Platelet Disorders Variant Curation Expert Panel, ClinGen
Classification: Uncertain significance for Bernard Soulier syndrome. Last evaluated: 2025-12-16. Review status: reviewed by expert panel. Criteria: ClinGen Platelet ACMG Specifications GP1BA V1.0.0. Collection method: curation. Allele origin: germline. Inheritance: Autosomal recessive inheritance.
Comment: The c.243C>A (p.Cys81Ter) variant in GP1BA is a nonsense variant that may cause loss of function of the protein, however it is predicted to escape nonsense mediated decay and remove >10% of the protein (PVS1_Strong). This variant has been detected in at least 1 proband asserted to have Bernard-Soulier syndrome (Patient 1 in PMID:31789661), however the patient lab values were not considered to conclusively support the BSS diagnosis due to normal GPIX expression. This variant is absent from gnomAD v4.1.0 (PM2_Supporting). In summary, this variant meets the criteria to be classified as Uncertain Significance for autosomal recessive Bernard-Soulier syndrome based on the ACMG/AMP criteria applied, as specified by the ClinGen PD VCEP: PVS1_Strong and PM2_Supporting (VCEP specifications version 1).